The following is an entry in ClinVar:

NM_001966.4(EHHADH):c.6C>T (p.Ala2=)

Gene: EHHADH (enoyl-CoA hydratase and 3-hydroxyacyl CoA dehydrogenase; minus strand). Cytogenetic location: 3q27.2.
Variant type: single nucleotide variant.
Coding change: c.6C>T on transcript NM_001966.4 (MANE Select); coding-DNA position 6, C replaced by T.
Protein change: p.Ala2=; no amino-acid change (alanine 2 retained).
Molecular consequence: synonymous variant. On other transcripts: 5 prime UTR variant (1).
Genome position (GRCh38, 1-based): chr3:185,254,017, G>A on the plus strand (C>T on the coding strand, the complement: EHHADH is on the minus strand). VCF-style: chr3-185254017-G-A. GRCh37 (hg19) VCF-style: chr3-184971805-G-A.
Other names: c.-406C>T (NM_001166415.2).
Identifiers: ClinVar variation 3061498 (VCV003061498.2), dbSNP rs141515588, ClinGen allele CA2739373.
Genomic context (GRCh38, chr3:185,254,017, plus strand): 5'-GTTGACCGGCGGGTTTCGGAGGCGGATTAGCGCCAAGGCGTTGTGCAGCCGCGTATACTC[G>A]GCCATGTTTCCTCTATCACCGAGGGCACCTCTGCCTCTCGCCGTCAGGCAAACCACTTTT-3'
Protein context (NP_001957.2, residues 1-12): M[Ala2=]EYTRLHNALA

ClinVar aggregate classification (germline): Likely benign (0 of 4 stars; one submission).

Conditions:
EHHADH-related disorder. Also called: EHHADH-related condition.

gnomAD v4.1: 3 of 1,613,750 alleles (0.00019%); highest among the groups gnomAD compares: South Asian, 0.0011%; no homozygotes.

Submission:

PreventionGenetics, part of Exact Sciences
Classification: Likely benign for EHHADH-related condition. Last evaluated: 2021-11-07. Review status: no assertion criteria provided. Collection method: clinical testing. Allele origin: germline.
Comment: This variant is classified as likely benign based on ACMG/AMP sequence variant interpretation guidelines (Richards et al. 2015 PMID: 25741868, with internal and published modifications).